The following is an entry in ClinVar:

ClinVar aggregate classification (germline): Pathogenic. Review status: criteria provided, multiple submitters, no conflicts (2 of 4 stars). 2 submissions from 2 submitters: Pathogenic (2). Last evaluated 2018-12-06.

Conditions:
Familial thoracic aortic aneurysm and aortic dissection (TAAD). Also called: Thoracic aortic aneurysms and dissections. Identifiers: Orphanet 91387, MedGen C4707243, MONDO:0019625.
Marfan syndrome (MFS). Also called: Marfan syndrome type 1; Marfan syndrome, classic; Marfan's syndrome; FBN1-Related Marfan Syndrome; MARFAN SYNDROME, TYPE I. Identifiers: Orphanet 284963, Orphanet 558, MedGen C0024796, MONDO:0007947, OMIM 154700.

Submissions (2):

Labcorp Genetics (formerly Invitae), Labcorp
Classification: Pathogenic for Marfan syndrome; Familial thoracic aortic aneurysm and aortic dissection. Last evaluated: 2018-12-06. Review status: criteria provided, single submitter. Criteria: Invitae Variant Classification Sherloc (09022015). Collection method: clinical testing. Allele origin: germline.
Comment: This variant disrupts the p.Cys1402 amino acid residue in FBN1. Other variant(s) that disrupt this residue have been observed in affected individuals (PMID: 27906200, 10486319), suggesting that it is a clinically significant residue. As a result, variants that disrupt this residue are likely to be causative of disease. For these reasons, this variant has been classified as Pathogenic. This variant affects a cysteine residue in the EGF-like, TGFBP or hybrid motif domains FBN1. Cysteine residues are believed to be involved in intramolecular disulfide bridges and have been shown to be important for FBN1 protein structure (PMID: 16905551, 19349279). In addition, missense substitutions affecting cysteine residues within these domains are significantly overrepresented among patients with Marfan syndrome (PMID: 16571647, 17701892). This variant has been observed in individuals affected with Marfan syndrome (PMID: 11524736, Invitae). ClinVar contains an entry for this variant (Variation ID: 519799). This variant is not present in population databases (ExAC no frequency). This sequence change replaces cysteine with tyrosine at codon 1402 of the FBN1 protein (p.Cys1402Tyr). The cysteine residue is highly conserved and there is a large physicochemical difference between cysteine and tyrosine.

Ambry Genetics
Classification: Pathogenic for Familial thoracic aortic aneurysm and aortic dissection. Last evaluated: 2017-12-05. Review status: criteria provided, single submitter. Criteria: Ambry Variant Classification Scheme 2023. Collection method: clinical testing. Allele origin: germline.
Comment: The p.C1402Y pathogenic mutation (also known as c.4205G>A), located in coding exon 33 of the FBN1 gene, results from a G to A substitution at nucleotide position 4205. The cysteine at codon 1402 is replaced by tyrosine, an amino acid with highly dissimilar properties, and is located in the cb EGF-like #19 domain. The majority of FBN1 mutations identified to date have involved the substitution or generation of cysteine residues within cbEGF domains (Vollbrandt T et al. J Biol Chem. 2004;279(31):32924-32931). This alteration has been reported in a patient with Marfan syndrome and absent from controls (Comeglio P et al. Hum. Mutat., 2001 Dec;18:546-7). In addition, alternate amino acid substitutions at this position, p.C1402W and p.C1402R, have also been detected in individuals with Marfan syndrome (Schrijver I et al. Am. J. Hum. Genet., 1999 Oct;65:1007-20; Arbustini E et al. Hum. Mutat., 2005 Nov;26:494; Pees C et al. Clin. Genet., 2014 Dec;86:552-7). Based on internal structural assessment, these alterations eliminate a structurally critical disulfide bond in cbEGF domain #19. Based on the supporting evidence, this alteration is interpreted as a disease-causing mutation.

Literature cited by the submitters: PubMed 27906200 (cited by Labcorp Genetics (formerly Invitae), Labcorp); PubMed 10486319 (cited by Labcorp Genetics (formerly Invitae), Labcorp); PubMed 16905551 (cited by Labcorp Genetics (formerly Invitae), Labcorp); PubMed 19349279 (cited by Labcorp Genetics (formerly Invitae), Labcorp); PubMed 16571647 (cited by Labcorp Genetics (formerly Invitae), Labcorp); PubMed 17701892 (cited by Labcorp Genetics (formerly Invitae), Labcorp); PubMed 11524736 (cited by Labcorp Genetics (formerly Invitae), Labcorp); PubMed 11748851 (cited by Ambry Genetics).

NM_000138.5(FBN1):c.4205G>A (p.Cys1402Tyr)

Gene: FBN1 (fibrillin 1; minus strand). Cytogenetic location: 15q21.1.
Variant type: single nucleotide variant.
Coding change: c.4205G>A on transcript NM_000138.5 (MANE Select); coding-DNA position 4205, G replaced by A.
Protein change: p.Cys1402Tyr; replaces cysteine 1402 with tyrosine.
Molecular consequence: missense variant.
Genome position (GRCh38, 1-based): chr15:48,474,260, C>T on the plus strand (G>A on the coding strand, the complement: FBN1 is on the minus strand). VCF-style: chr15-48474260-C-T. GRCh37 (hg19) VCF-style: chr15-48766457-C-T.
Other names: short protein forms C1402Y.
Identifiers: ClinVar variation 519799 (VCV000519799.14), dbSNP rs1555397646, ClinGen allele CA392319891.